The following is an entry in ClinVar:

ClinVar aggregate classification (germline): Uncertain significance (1 of 4 stars; one submission).

gnomAD v4.1: 26 of 1,613,980 alleles (0.0016%); highest among the groups gnomAD compares: Admixed American, 0.0033%; no homozygotes.

Submission:

GeneDx
Classification: Uncertain significance. Last evaluated: 2025-06-09. Review status: criteria provided, single submitter. Criteria: GeneDx Variant Classification Process June 2021. Collection method: clinical testing. Allele origin: germline. Affected: yes.
Comment: Not observed at significant frequency in large population cohorts (gnomAD); In silico analysis suggests that this missense variant does not alter protein structure/function; Has not been previously published as pathogenic or benign to our knowledge

NM_144672.4(OTOA):c.421G>A (p.Asp141Asn)

Gene: OTOA (otoancorin). Cytogenetic location: 16p12.2.
Variant type: single nucleotide variant.
Coding change: c.421G>A on transcript NM_144672.4 (MANE Select); coding-DNA position 421, G replaced by A.
Protein change: p.Asp141Asn; replaces aspartic acid 141 with asparagine.
Molecular consequence: missense variant.
Genome position (GRCh38, 1-based): chr16:21,687,434, G>A. VCF-style: chr16-21687434-G-A. GRCh37 (hg19) VCF-style: chr16-21698755-G-A.
Other names: c.184G>A, p.Asp62Asn (NM_001161683.2); short protein forms D141N, D62N.
Identifiers: ClinVar variation 4537950 (VCV004537950.1).